The following is an entry in ClinVar:

NM_033198.4(PIGS):c.1468G>A (p.Ala490Thr)

Gene: PIGS (phosphatidylinositol glycan anchor biosynthesis class S; minus strand). Cytogenetic location: 17q11.2.
Variant type: single nucleotide variant.
Coding change: c.1468G>A on transcript NM_033198.4 (MANE Select); coding-DNA position 1468, G replaced by A.
Protein change: p.Ala490Thr; replaces alanine 490 with threonine.
Molecular consequence: missense variant.
Genome position (GRCh38, 1-based): chr17:28,554,420, C>T on the plus strand (G>A on the coding strand, the complement: PIGS is on the minus strand). VCF-style: chr17-28554420-C-T. GRCh37 (hg19) VCF-style: chr17-26881438-C-T.
Other names: c.1468G>A (NM_033198.3); short protein forms A490T.
Identifiers: ClinVar variation 2647581 (VCV002647581.26), dbSNP rs61755367, ClinGen allele CA8459971.

ClinVar aggregate classification (germline): Likely benign. Review status: criteria provided, multiple submitters, no conflicts (2 of 4 stars). 3 submissions from 3 submitters: Likely benign (2). 1 of the submissions does not count toward it. Last evaluated 2025-08-01.

Conditions:
PIGS-related disorder. Also called: PIGS-related condition.

Allele frequency attached by ClinVar (database versions not stated): TOPMed 0.00057; ESP Exome Variant Server 0.00069; gnomAD 0.00075; 1000 Genomes Project 0.00100; 1000 Genomes Project 30x 0.00109; gnomAD exomes 0.00119; ExAC 0.00161.
gnomAD v4.1: 1,860 of 1,614,122 alleles (0.12%); highest among the groups gnomAD compares: South Asian, 0.6%; 6 homozygotes.

Submissions (3):

CeGaT Center for Human Genetics Tuebingen
Classification: Likely benign. Last evaluated: 2025-08-01. Review status: criteria provided, single submitter. Criteria: CeGaT Center For Human Genetics Tuebingen Variant Classification Criteria Version 2. Collection method: clinical testing. Allele origin: germline. Affected: yes. Observed: 12 variant alleles.
Comment: PIGS: BP4, BS2

Blueprint Genetics
Classification: Likely benign. Last evaluated: 2024-11-25. Review status: criteria provided, single submitter. Criteria: ACMG Guidelines, 2015. Collection method: clinical testing. Allele origin: germline.

PreventionGenetics, part of Exact Sciences
Classification: Likely benign for PIGS-related condition. Last evaluated: 2020-04-02. Review status: no assertion criteria provided. Collection method: clinical testing. Allele origin: germline. Not counted in ClinVar's aggregate classification.
Comment: This variant is classified as likely benign based on ACMG/AMP sequence variant interpretation guidelines (Richards et al. 2015 PMID: 25741868, with internal and published modifications).